The following is an entry in ClinVar:

ClinVar aggregate classification (germline): Conflicting classifications of pathogenicity. Review status: criteria provided, conflicting classifications (1 of 4 stars). 4 submissions from 4 submitters: Likely pathogenic (1); Uncertain significance (3). Last evaluated 2025-08-02.

Conditions:
RHO-related disorder. Also called: RHO-related condition.
Retinal dystrophy. Also called: Inherited retinal dystrophy. Identifiers: Orphanet 71862, MedGen C0854723, MeSH D058499, MONDO:0019118, HP:0000556.

Allele frequency attached by ClinVar (database versions not stated): gnomAD exomes 0.00001; TOPMed 0.00003; gnomAD 0.00004 and 0.00005; 1000 Genomes Project 0.00020; 1000 Genomes Project 30x 0.00031; ExAC 0.00001.
gnomAD v4.1: 26 of 1,613,906 alleles (0.0016%); highest among the groups gnomAD compares: African/African-American, 0.0067%; no homozygotes.

Submissions (4):

PreventionGenetics, part of Exact Sciences
Classification: Uncertain significance for RHO-related condition. Last evaluated: 2025-08-02. Review status: criteria provided, single submitter. Criteria: ACMG Guidelines, 2015. Collection method: clinical testing. Allele origin: germline.
Comment: The RHO c.625G>A variant is predicted to result in the amino acid substitution p.Val209Met. This variant has been reported in an individual with retinitis pigmentosa (Macke et al. 1993. PubMed ID: 8317502). However, in another study, this variant did not segregate with disease (Lim et al. 2009. PubMed ID: 19506198). In vitro functional data indicate that this variant may impact protein function (Mallory et al. 2018. PubMed ID: 30085663). This variant is reported in 0.0040% of alleles in individuals of African descent in gnomAD. At this time, the clinical significance of this variant is uncertain due to the absence of conclusive functional and genetic evidence.

Labcorp Genetics (formerly Invitae), Labcorp
Classification: Uncertain significance. Last evaluated: 2025-03-22. Review status: criteria provided, single submitter. Criteria: Invitae Variant Classification Sherloc (09022015). Collection method: clinical testing. Allele origin: germline.
Comment: This sequence change replaces valine, which is neutral and non-polar, with methionine, which is neutral and non-polar, at codon 209 of the RHO protein (p.Val209Met). This variant is present in population databases (rs567288669, gnomAD 0.007%). This missense change has been observed in individuals with retinitis pigmentosa or clinical features of inherited retinal disease (PMID: 8317502, 19506198; internal data). ClinVar contains an entry for this variant (Variation ID: 853825). Invitae Evidence Modeling of protein sequence and biophysical properties (such as structural, functional, and spatial information, amino acid conservation, physicochemical variation, residue mobility, and thermodynamic stability) has been performed for this missense variant. However, the output from this modeling did not meet the statistical confidence thresholds required to predict the impact of this variant on RHO protein function. Experimental studies have shown that this missense change affects RHO function (PMID: 27694816, 30085663). In summary, the available evidence is currently insufficient to determine the role of this variant in disease. Therefore, it has been classified as a Variant of Uncertain Significance.

Blueprint Genetics
Classification: Uncertain significance. Last evaluated: 2022-09-01. Review status: criteria provided, single submitter. Criteria: ACMG Guidelines, 2015. Collection method: clinical testing. Allele origin: germline.

Institute of Human Genetics, Univ. Regensburg, Univ. Regensburg
Classification: Likely pathogenic for Retinal dystrophy. Last evaluated: 2015-01-01. Review status: criteria provided, single submitter. Criteria: ACMG Guidelines, 2015. Collection method: clinical testing. Allele origin: germline. Affected: yes.

Literature cited by the submitters: PubMed 8317502 (cited by Labcorp Genetics (formerly Invitae), Labcorp and Institute of Human Genetics, Univ. Regensburg, Univ. Regensburg); PubMed 19506198 (cited by Labcorp Genetics (formerly Invitae), Labcorp); PubMed 27694816 (cited by Labcorp Genetics (formerly Invitae), Labcorp); PubMed 30085663 (cited by Labcorp Genetics (formerly Invitae), Labcorp and Institute of Human Genetics, Univ. Regensburg, Univ. Regensburg); PubMed 21094163 (cited by Institute of Human Genetics, Univ. Regensburg, Univ. Regensburg); PubMed 30977563 (cited by Institute of Human Genetics, Univ. Regensburg, Univ. Regensburg).

NM_000539.3(RHO):c.625G>A (p.Val209Met)

Gene: RHO (rhodopsin; plus strand). Cytogenetic location: 3q22.1.
Variant type: single nucleotide variant.
Coding change: c.625G>A on transcript NM_000539.3 (MANE Select); coding-DNA position 625, G replaced by A.
Protein change: p.Val209Met; replaces valine 209 with methionine.
Molecular consequence: missense variant.
Genome position (GRCh38, 1-based): chr3:129,532,345, G>A. VCF-style: chr3-129532345-G-A. GRCh37 (hg19) VCF-style: chr3-129251188-G-A.
Other names: short protein forms V209M.
Identifiers: ClinVar variation 853825 (VCV000853825.13), dbSNP rs567288669, ClinGen allele CA2607224.
Genomic context (GRCh38, chr3:129,532,345, plus strand): 5'-ATCGACTACTACACGCTCAAGCCGGAGGTCAACAACGAGTCTTTTGTCATCTACATGTTC[G>A]TGGTCCACTTCACCATCCCCATGATTATCATCTTTTTCTGCTATGGGCAGCTCGTCTTCA-3'
Protein context (NP_000530.1, residues 199-219): NNESFVIYMF[Val209Met]VHFTIPMIII